The following is an entry in ClinVar:

ClinVar aggregate classification (germline): Uncertain significance (1 of 4 stars; one submission).

Conditions:
Brugada syndrome 8 (BRGDA8). Identifiers: Orphanet 130, MedGen C2751083, MONDO:0013148, OMIM 613123.

gnomAD v4.1: 9 of 1,470,924 alleles (0.00061%); highest among the groups gnomAD compares: Admixed American, 0.0052%; no homozygotes.

Submission:

Labcorp Genetics (formerly Invitae), Labcorp
Classification: Uncertain significance for Brugada syndrome 8. Last evaluated: 2023-05-26. Review status: criteria provided, single submitter. Criteria: Invitae Variant Classification Sherloc (09022015). Collection method: clinical testing. Allele origin: germline.
Comment: This sequence change replaces proline, which is neutral and non-polar, with alanine, which is neutral and non-polar, at codon 1028 of the HCN4 protein (p.Pro1028Ala). This variant is present in population databases (no rsID available, gnomAD 0.007%). In summary, the available evidence is currently insufficient to determine the role of this variant in disease. Therefore, it has been classified as a Variant of Uncertain Significance. Advanced modeling of protein sequence and biophysical properties (such as structural, functional, and spatial information, amino acid conservation, physicochemical variation, residue mobility, and thermodynamic stability) performed at Invitae indicates that this missense variant is not expected to disrupt HCN4 protein function. This variant has not been reported in the literature in individuals affected with HCN4-related conditions.

NM_005477.3(HCN4):c.3082C>G (p.Pro1028Ala)

Gene: HCN4 (hyperpolarization activated cyclic nucleotide gated potassium channel 4; minus strand). Cytogenetic location: 15q24.1.
Variant type: single nucleotide variant.
Coding change: c.3082C>G on transcript NM_005477.3 (MANE Select); coding-DNA position 3082, C replaced by G.
Protein change: p.Pro1028Ala; replaces proline 1028 with alanine.
Molecular consequence: missense variant.
Genome position (GRCh38, 1-based): chr15:73,323,011, G>C on the plus strand (C>G on the coding strand, the complement: HCN4 is on the minus strand). VCF-style: chr15-73323011-G-C. GRCh37 (hg19) VCF-style: chr15-73615352-G-C.
Other names: short protein forms P1028A.
Identifiers: ClinVar variation 2903155 (VCV002903155.2), dbSNP rs1375231724, ClinGen allele CA393086255.